The following is an entry in ClinVar:

NM_206937.2(LIG4):c.2175del (p.Trp725fs)

Gene: LIG4 (DNA ligase 4; minus strand). Cytogenetic location: 13q33.3.
Variant type: Deletion.
Coding change: c.2175del on transcript NM_206937.2 (MANE Select); coding-DNA position 2175, one base deleted (G; older notation c.2175delG).
Protein change: p.Trp725fs; shifts the reading frame from tryptophan 725.
Molecular consequence: frameshift variant.
Genome position (GRCh38, 1-based): chr13:108,209,094, C deleted on the plus strand (G on the coding strand, the reverse complement: LIG4 is on the minus strand); the first of 2 consecutive C bases (chr13:108,209,094-108,209,095); deleting either gives the same sequence. VCF-style (leftmost placement, unchanged base first): chr13-108209093-GC-G. GRCh37 (hg19) VCF-style: chr13-108861441-GC-G.
Other names: c.2175del, p.Trp725fs (NM_001098268.2, NM_001352598.2, NM_001352599.2 and 6 more transcripts); c.1974del, p.Trp658fs (NM_001330595.2); c.2211del, p.Trp737fs (NM_001352604.2); short protein forms W658fs, W725fs, W737fs.
Identifiers: ClinVar variation 1456881 (VCV001456881.8), dbSNP rs1286797317, ClinGen allele CA612360449.

ClinVar aggregate classification (germline): Pathogenic (1 of 4 stars; one submission).

Conditions:
DNA ligase IV deficiency. Identifiers: Orphanet 99812, MedGen C1847827, MONDO:0011686, OMIM 606593.

Submission:

Labcorp Genetics (formerly Invitae), Labcorp
Classification: Pathogenic for DNA ligase IV deficiency. Last evaluated: 2024-04-10. Review status: criteria provided, single submitter. Criteria: Invitae Variant Classification Sherloc (09022015). Collection method: clinical testing. Allele origin: germline.
Comment: This sequence change creates a premature translational stop signal (p.Trp725Cysfs*3) in the LIG4 gene. While this is not anticipated to result in nonsense mediated decay, it is expected to disrupt the last 187 amino acid(s) of the LIG4 protein. This variant is present in population databases (no rsID available, gnomAD 0.006%). This variant has not been reported in the literature in individuals affected with LIG4-related conditions. ClinVar contains an entry for this variant (Variation ID: 1456881). This variant disrupts a region of the LIG4 protein in which other variant(s) (p.814*) have been determined to be pathogenic (PMID: 11779494, 16088910, 24123394, 25239263, 27063650, 27612988). This suggests that this is a clinically significant region of the protein, and that variants that disrupt it are likely to be disease-causing. For these reasons, this variant has been classified as Pathogenic.

Literature cited by the submitters: PubMed 11779494; PubMed 16088910; PubMed 24123394; PubMed 25239263; PubMed 27063650; PubMed 27612988.